The following is an entry in ClinVar:

NM_213594.3(RFX4):c.659A>C (p.Asn220Thr)

Genes: RFX4 (regulatory factor X4; plus strand), RFX4-AS1 (RFX4 antisense RNA 1; minus strand). Cytogenetic location: 12q23.3.
Variant type: single nucleotide variant.
Coding change: c.659A>C on transcript NM_213594.3 (MANE Select); coding-DNA position 659, A replaced by C.
Protein change: p.Asn220Thr; replaces asparagine 220 with threonine.
Molecular consequence: missense variant.
Genome position (GRCh38, 1-based): chr12:106,689,354, A>C. VCF-style: chr12-106689354-A-C. GRCh37 (hg19) VCF-style: chr12-107083132-A-C.
Other names: c.686A>C, p.Asn229Thr (NM_001206691.2); c.377A>C, p.Asn126Thr (NM_032491.6); short protein forms N220T, N126T, N229T.
Identifiers: ClinVar variation 2465560 (VCV002465560.5), dbSNP rs368504143, ClinGen allele CA6762796.
Genomic context (GRCh38, chr12:106,689,354, plus strand): 5'-CCTTTATTATGATGTACAGAACACACTGTCAGAGAATACTGGACACTGTAATAAGAGCCA[A>C]CTTTGATGAGGTAGGTCAACAAGGGTTGAGCTGTGAATACTCGGTATTAAAAATCTTGTA-3'
Protein context (NP_998759.1, residues 210-230): QRILDTVIRA[Asn220Thr]FDEVQSFLLH

ClinVar aggregate classification (germline): Uncertain significance. Review status: criteria provided, multiple submitters, no conflicts (2 of 4 stars). 2 submissions from 2 submitters: Uncertain significance (2). Last evaluated 2026-01-12.

Allele frequency attached by ClinVar (database versions not stated): ESP Exome Variant Server 0.00008; 1000 Genomes Project 30x 0.00016; gnomAD 0.00016; TOPMed 0.00017; ExAC 0.00006; 1000 Genomes Project 0.00020.
gnomAD v4.1: 41 of 1,612,888 alleles (0.0025%); highest among the groups gnomAD compares: African/African-American, 0.039%; no homozygotes.

Submissions (2):

Dasa
Classification: Uncertain significance. Last evaluated: 2026-01-12. Review status: criteria provided, single submitter. Criteria: DASA Assertion Criteria. Collection method: clinical testing. Allele origin: germline.
Comment: NM_213594.3(RFX4):c.659A>C (p.Asn220Thr) is a missense variant that results in the substitution of asparagine with threonine. This variant is rare in population databases. The currently available literature and clinical evidence are not sufficient to establish a definitive association between this variant and the reported condition. Therefore, this variant is classified as a variant of uncertain significance.

Ambry Genetics
Classification: Uncertain significance. Last evaluated: 2025-04-18. Review status: criteria provided, single submitter. Criteria: Ambry Variant Classification Scheme 2023. Collection method: clinical testing. Allele origin: germline.